The following is an entry in ClinVar:

NM_000397.4(CYBB):c.921_931del (p.Ile308fs)

Gene: CYBB (cytochrome b-245 beta chain; plus strand). Cytogenetic location: Xp11.4.
Variant type: Deletion.
Coding change: c.921_931del on transcript NM_000397.4 (MANE Select); coding-DNA positions 921 to 931, 11 bases deleted (CATCGAGCTAC).
Protein change: p.Ile308fs; shifts the reading frame from isoleucine 308.
Molecular consequence: frameshift variant.
Genome position (GRCh38, 1-based): chrX:37,803,900-37,803,910, CATCGAGCTAC deleted; deleting any 11 consecutive bases within chrX:37,803,898-37,803,910 gives the same sequence; the c. name uses the placement nearest the transcript's 3' end. VCF-style (leftmost placement, unchanged base first): chrX-37803897-AACCATCGAGCT-A. GRCh37 (hg19) VCF-style: chrX-37663150-AACCATCGAGCT-A.
Other names: short protein forms I308fs.
Identifiers: ClinVar variation 1359397 (VCV001359397.6), dbSNP rs2146817045, ClinGen allele CA2573158638.

ClinVar aggregate classification (germline): Pathogenic (1 of 4 stars; one submission).

Conditions:
Granulomatous disease, chronic, X-linked. Also called: GRANULOMATOUS DISEASE, CHRONIC, X-LINKED, SOMATIC MOSAIC; CYTOCHROME b-NEGATIVE GRANULOMATOUS DISEASE, CHRONIC, X-LINKED. Identifiers: Orphanet 379, MedGen C1844376, MONDO:0010600, OMIM 306400.

Submission:

Labcorp Genetics (formerly Invitae), Labcorp
Classification: Pathogenic for Granulomatous disease, chronic, X-linked. Last evaluated: 2021-09-24. Review status: criteria provided, single submitter. Criteria: Invitae Variant Classification Sherloc (09022015). Collection method: clinical testing. Allele origin: germline.
Comment: This variant is not present in population databases (ExAC no frequency). This sequence change creates a premature translational stop signal (p.Ile308Aspfs*36) in the CYBB gene. It is expected to result in an absent or disrupted protein product. Loss-of-function variants in CYBB are known to be pathogenic (PMID: 9585602, 20729109). This variant has not been reported in the literature in individuals affected with CYBB-related conditions. For these reasons, this variant has been classified as Pathogenic.

Literature cited by the submitters: PubMed 9585602; PubMed 20729109.